The following is an entry in ClinVar:

NM_000466.3(PEX1):c.1174G>T (p.Glu392Ter)

Gene: PEX1 (peroxisomal biogenesis factor 1; minus strand). Cytogenetic location: 7q21.2.
Variant type: single nucleotide variant.
Coding change: c.1174G>T on transcript NM_000466.3 (MANE Select); coding-DNA position 1174, G replaced by T.
Protein change: p.Glu392Ter; replaces glutamic acid 392 with a stop codon.
Molecular consequence: nonsense.
Genome position (GRCh38, 1-based): chr7:92,517,341, C>A on the plus strand (G>T on the coding strand, the complement: PEX1 is on the minus strand). VCF-style: chr7-92517341-C-A. GRCh37 (hg19) VCF-style: chr7-92146655-C-A.
Other names: c.1174G>T, p.Glu392Ter (NM_001282677.2); c.550G>T, p.Glu184Ter (NM_001282678.2); short protein forms E184*, E392*.
Identifiers: ClinVar variation 1726409 (VCV001726409.3), dbSNP rs2484701919, ClinGen allele CA368197478.
Genomic context (GRCh38, chr7:92,517,341, plus strand): 5'-CTTTCCCAAGATGGAGAACTTCTACATTTTTGGTATATTTGATGGCATTGTTCAATTCTT[C>A]AAGTCCATTCCAGACTACTTGTAGCACACAGGCCTTCTCATCTTCTTCATTATGATCTGA-3'

ClinVar aggregate classification (germline): Likely pathogenic (1 of 4 stars; one submission).

Conditions:
Peroxisome biogenesis disorder. Identifiers: Orphanet 79189, MedGen C1832200, MONDO:0019234. Disease mechanism: loss of function.

Submission:

Myriad Genetics, Inc.
Classification: Likely pathogenic for Peroxisome biogenesis disorder. Last evaluated: 2021-12-17. Review status: criteria provided, single submitter. Criteria: Myriad Autosomal Dominant, Autosomal Recessive and X-Linked Classification Criteria (2023). Collection method: clinical testing. Allele origin: unknown.
Comment: NM_000466.2(PEX1):c.1174G>T(E392*) is expected to be pathogenic in the context of peroxisome biogenesis disorder type 1. This variant is predicted to lead to an abnormal or absent protein product due to the creation of a premature termination codon in PEX1, a gene where loss-of-function variants are known to be pathogenic. Please note: this variant was assessed in the context of healthy population screening.